The following is an entry in ClinVar:

NM_032578.4(MYPN):c.1452A>C (p.Leu484Phe)

Gene: MYPN (myopalladin; plus strand). Cytogenetic location: 10q21.3.
Variant type: single nucleotide variant.
Coding change: c.1452A>C on transcript NM_032578.4 (MANE Select); coding-DNA position 1452, A replaced by C.
Protein change: p.Leu484Phe; replaces leucine 484 with phenylalanine.
Molecular consequence: missense variant. On other transcripts: non-coding transcript variant (2).
Genome position (GRCh38, 1-based): chr10:68,158,620, A>C. VCF-style: chr10-68158620-A-C. GRCh37 (hg19) VCF-style: chr10-69918377-A-C.
Other names: c.1452A>C, p.Leu484Phe (NM_001256267.2); c.570A>C, p.Leu190Phe (NM_001256268.2); short protein forms L190F, L484F.
Identifiers: ClinVar variation 1054131 (VCV001054131.7), dbSNP rs749716693, ClinGen allele CA5522541.
Genomic context (GRCh38, chr10:68,158,620, plus strand): 5'-TAAGGTTGAGTGGTATAGAGAAGGGACTTTAATAGAAGATTCTCCAGATTTTAGGATTTT[A>C]CAGAAAAGTAAGTTAATACTTTAAATTATTTTCTGATATTTTGTTTTTATGAACTTATTG-3'
Protein context (NP_115967.2, residues 474-494): LIEDSPDFRI[Leu484Phe]QKKPRSMAEP

ClinVar aggregate classification (germline): Uncertain significance. Review status: criteria provided, multiple submitters, no conflicts (2 of 4 stars). 3 submissions from 3 submitters: Uncertain significance (3). Last evaluated 2024-02-09.

Conditions:
MYPN-related myopathy (CMYO24). Also called: Nemaline myopathy 11, autosomal recessive. Identifiers: MedGen C4479186, MONDO:0015023, OMIM 617336.
Dilated cardiomyopathy 1KK (CMD1KK). Identifiers: Orphanet 154, Orphanet 75249, MedGen C3714995, MONDO:0014100, OMIM 615248.
Cardiovascular phenotype. Identifiers: MedGen CN230736.

Allele frequency attached by ClinVar (database versions not stated): gnomAD exomes below 0.00001 and 0.00001; TOPMed below 0.00001; ExAC 0.00001; gnomAD 0.00001.
gnomAD v4.1: 12 of 1,583,894 alleles (0.00076%); highest among the groups gnomAD compares: Non-Finnish European, 0.001%; no homozygotes.

Submissions (3):

Ambry Genetics
Classification: Uncertain significance for Cardiovascular phenotype. Last evaluated: 2024-02-09. Review status: criteria provided, single submitter. Criteria: Ambry Variant Classification Scheme 2023. Collection method: clinical testing. Allele origin: germline.
Comment: The p.L484F variant (also known as c.1452A>C), located in coding exon 6 of the MYPN gene, results from an A to C substitution at nucleotide position 1452. The leucine at codon 484 is replaced by phenylalanine, an amino acid with highly similar properties. This amino acid position is highly conserved in available vertebrate species. In addition, the in silico prediction for this alteration is inconclusive. Based on the available evidence, the clinical significance of this alteration remains unclear.

Labcorp Genetics (formerly Invitae), Labcorp
Classification: Uncertain significance for Dilated cardiomyopathy 1KK. Last evaluated: 2022-03-18. Review status: criteria provided, single submitter. Criteria: Invitae Variant Classification Sherloc (09022015). Collection method: clinical testing. Allele origin: germline.
Comment: This sequence change replaces leucine, which is neutral and non-polar, with phenylalanine, which is neutral and non-polar, at codon 484 of the MYPN protein (p.Leu484Phe). This variant is not present in population databases (gnomAD no frequency). This variant has not been reported in the literature in individuals affected with MYPN-related conditions. ClinVar contains an entry for this variant (Variation ID: 1054131). Algorithms developed to predict the effect of missense changes on protein structure and function are either unavailable or do not agree on the potential impact of this missense change (SIFT: "Tolerated"; PolyPhen-2: "Possibly Damaging"; Align-GVGD: "Class C0"). In summary, the available evidence is currently insufficient to determine the role of this variant in disease. Therefore, it has been classified as a Variant of Uncertain Significance.

Fulgent Genetics
Classification: Uncertain significance for Dilated cardiomyopathy 1KK; MYPN-related myopathy. Last evaluated: 2021-11-11. Review status: criteria provided, single submitter. Criteria: ACMG Guidelines, 2015. Collection method: clinical testing. Allele origin: unknown.